The following is an entry in ClinVar:

NM_001308210.2(TSHZ1):c.1878C>T (p.Ser626=)

Gene: TSHZ1 (teashirt zinc finger homeobox 1; plus strand). Cytogenetic location: 18q22.3.
Variant type: single nucleotide variant.
Coding change: c.1878C>T on transcript NM_001308210.2 (MANE Select); coding-DNA position 1878, C replaced by T.
Protein change: p.Ser626=; no amino-acid change (serine 626 retained).
Molecular consequence: synonymous variant.
Genome position (GRCh38, 1-based): chr18:75,287,285, C>T. VCF-style: chr18-75287285-C-T. GRCh37 (hg19) VCF-style: chr18-72999240-C-T.
Other names: c.1743C>T, p.Ser581= (NM_005786.6).
Identifiers: ClinVar variation 4939363 (VCV004939363.2), dbSNP rs185067525.

ClinVar aggregate classification (germline): Likely benign. Review status: criteria provided, multiple submitters, no conflicts (2 of 4 stars). 2 submissions from 2 submitters: Likely benign (2). Last evaluated 2026-03-06.

Conditions:
TSHZ1-related disorder. Also called: TSHZ1-related condition.

Allele frequency attached by ClinVar (database versions not stated): TOPMed 0.00033; gnomAD exomes 0.00039; ESP Exome Variant Server 0.00046; ExAC 0.00047; gnomAD 0.00070.
gnomAD v4.1: 1,021 of 1,613,882 alleles (0.063%); highest among the groups gnomAD compares: Non-Finnish European, 0.079%; 1 homozygote.

Submissions (2):

PreventionGenetics, part of Exact Sciences
Classification: Likely benign for TSHZ1-related condition. Last evaluated: 2026-03-06. Review status: criteria provided, single submitter. Criteria: ACMG Guidelines, 2015. Collection method: clinical testing. Allele origin: germline.
Comment: This variant is classified as likely benign based on ACMG/AMP sequence variant interpretation guidelines (Richards et al. 2015 PMID: 25741868, with internal and published modifications).

Blueprint Genetics
Classification: Likely benign. Last evaluated: 2024-11-08. Review status: criteria provided, single submitter. Criteria: ACMG Guidelines, 2015. Collection method: clinical testing. Allele origin: germline.